The following is an entry in ClinVar:

NM_001165963.4(SCN1A):c.231_247del (p.Glu78fs)

Gene: SCN1A (sodium voltage-gated channel alpha subunit 1; minus strand). Cytogenetic location: 2q24.3.
Variant type: Deletion.
Coding change: c.231_247del on transcript NM_001165963.4 (MANE Select); coding-DNA positions 231 to 247, 17 bases deleted (GGAGGACCTGGACCCCT).
Protein change: p.Glu78fs; shifts the reading frame from glutamic acid 78.
Molecular consequence: frameshift variant. On other transcripts: 5 prime UTR variant (1), non-coding transcript variant (1).
Genome position (GRCh38, 1-based): chr2:166,073,375-166,073,391, AGGGGTCCAGGTCCTCC deleted on the plus strand (GGAGGACCTGGACCCCT on the coding strand, the reverse complement: SCN1A is on the minus strand); deleting any 17 consecutive bases within chr2:166,073,375-166,073,396 gives the same sequence; the c. name uses the placement nearest the transcript's 3' end. VCF-style (leftmost placement, unchanged base first): chr2-166073374-TAGGGGTCCAGGTCCTCC-T. GRCh37 (hg19) VCF-style: chr2-166929884-TAGGGGTCCAGGTCCTCC-T.
Other names: c.231_247del, p.Glu78fs (NM_001165964.3, NM_001202435.3, NM_001353948.2 and 10 more transcripts); c.-2195_-2179del (NM_001353961.2); short protein forms E78fs.
Identifiers: ClinVar variation 1071662 (VCV001071662.8), dbSNP rs2105982105, ClinGen allele CA2499215216.

ClinVar aggregate classification (germline): Pathogenic (1 of 4 stars; one submission).

Conditions:
Early-infantile DEE. Also called: Ohtahara syndrome; Early infantile epileptic encephalopathy with suppression bursts; Early infantile epileptic encephalopathy. Identifiers: Orphanet 1934, MedGen C0393706, MONDO:0800491.

Submission:

Labcorp Genetics (formerly Invitae), Labcorp
Classification: Pathogenic for Early-infantile DEE. Last evaluated: 2020-08-27. Review status: criteria provided, single submitter. Criteria: Invitae Variant Classification Sherloc (09022015). Collection method: clinical testing. Allele origin: germline.
Comment: For these reasons, this variant has been classified as Pathogenic. This sequence change creates a premature translational stop signal (p.Glu78Leufs*4) in the SCN1A gene. It is expected to result in an absent or disrupted protein product. This variant is not present in population databases (ExAC no frequency). This variant has not been reported in the literature in individuals with SCN1A-related conditions. Loss-of-function variants in SCN1A are known to be pathogenic (PMID: 17347258, 18930999).

Literature cited by the submitters: PubMed 17347258; PubMed 18930999.